The following is an entry in ClinVar:

ClinVar aggregate classification (germline): Uncertain significance (1 of 4 stars; one submission).

Conditions:
Idiopathic generalized epilepsy. Also called: Generalised epilepsy; EIG. Identifiers: MedGen C0270850, MONDO:0005579, OMIM 600669.
Hyperaldosteronism, familial, type IV (HALD4). Also called: FH IV; ALDOSTERONISM, PRIMARY, AND HYPERTENSION. Identifiers: Orphanet 642671, MedGen C4310756, MONDO:0014875, OMIM 617027.

Submission:

Labcorp Genetics (formerly Invitae), Labcorp
Classification: Uncertain significance for Idiopathic generalized epilepsy; Hyperaldosteronism, familial, type IV. Last evaluated: 2021-11-27. Review status: criteria provided, single submitter. Criteria: Invitae Variant Classification Sherloc (09022015). Collection method: clinical testing. Allele origin: germline.
Comment: This variant has not been reported in the literature in individuals affected with CACNA1H-related conditions. In summary, the available evidence is currently insufficient to determine the role of this variant in disease. Therefore, it has been classified as a Variant of Uncertain Significance. Experimental studies and prediction algorithms are not available or were not evaluated, and the functional significance of this variant is currently unknown. This variant is not present in population databases (gnomAD no frequency). This variant, c.1789_1794del, results in the deletion of 2 amino acid(s) of the CACNA1H protein (p.Thr597_Ala598del), but otherwise preserves the integrity of the reading frame.

NM_021098.3(CACNA1H):c.1789_1794del (p.Thr597_Ala598del)

Gene: CACNA1H (calcium voltage-gated channel subunit alpha1 H; plus strand). Cytogenetic location: 16p13.3.
Variant type: Deletion.
Coding change: c.1789_1794del on transcript NM_021098.3 (MANE Select); coding-DNA positions 1789 to 1794, 6 bases deleted (ACTGCC; older notation c.1789_1794delACTGCC).
Protein change: p.Thr597_Ala598del.
Molecular consequence: inframe deletion.
Genome position (GRCh38, 1-based): chr16:1,202,239-1,202,244, ACTGCC deleted; deleting any 6 consecutive bases within chr16:1,202,236-1,202,244 gives the same sequence; the c. name uses the placement nearest the transcript's 3' end. VCF-style (leftmost placement, unchanged base first): chr16-1202235-AGCCACT-A. GRCh37 (hg19) VCF-style: chr16-1252235-AGCCACT-A.
Other names: c.1789_1794del, p.Thr597_Ala598del (NM_001005407.2).
Identifiers: ClinVar variation 1427870 (VCV001427870.6), dbSNP rs1968032311, ClinGen allele CA2201513122.